The following is an entry in ClinVar:

NM_014629.4(ARHGEF10):c.1183G>C (p.Val395Leu)

Gene: ARHGEF10 (Rho guanine nucleotide exchange factor 10; plus strand). Cytogenetic location: 8p23.3.
Variant type: single nucleotide variant.
Coding change: c.1183G>C on transcript NM_014629.4 (MANE Select); coding-DNA position 1183, G replaced by C.
Protein change: p.Val395Leu; replaces valine 395 with leucine.
Molecular consequence: missense variant.
Genome position (GRCh38, 1-based): chr8:1,893,569, G>C. VCF-style: chr8-1893569-G-C. GRCh37 (hg19) VCF-style: chr8-1841735-G-C.
Other names: c.1069G>C, p.Val357Leu (NM_001308152.2); c.1186G>C, p.Val396Leu (NM_001308153.3); short protein forms V395L, V357L, V420L, V396L.
Identifiers: ClinVar variation 1959559 (VCV001959559.5), dbSNP rs1194867134, ClinGen allele CA369958570.
Genomic context (GRCh38, chr8:1,893,569, plus strand): 5'-AATGTATCTGTGTGTATTATAAAGCAGTTTTCTATCATTGTACTTCCAAATTTCCAACAG[G>C]TTGTAAGAAGATATATACTGGGTTCAGTTGTCGACAGTGAAAAGAACTACGTAGATGCTC-3'
Protein context (NP_055444.2, residues 385-405): PMPEGLSQQQ[Val395Leu]VRRYILGSVV

ClinVar aggregate classification (germline): Uncertain significance (1 of 4 stars; one submission).

Submission:

Labcorp Genetics (formerly Invitae), Labcorp
Classification: Uncertain significance. Last evaluated: 2022-07-12. Review status: criteria provided, single submitter. Criteria: Invitae Variant Classification Sherloc (09022015). Collection method: clinical testing. Allele origin: germline.
Comment: In summary, the available evidence is currently insufficient to determine the role of this variant in disease. Therefore, it has been classified as a Variant of Uncertain Significance. Algorithms developed to predict the effect of missense changes on protein structure and function (SIFT, PolyPhen-2, Align-GVGD) all suggest that this variant is likely to be tolerated. This variant has not been reported in the literature in individuals affected with ARHGEF10-related conditions. This variant is not present in population databases (gnomAD no frequency). This sequence change replaces valine, which is neutral and non-polar, with leucine, which is neutral and non-polar, at codon 395 of the ARHGEF10 protein (p.Val395Leu).